The following is an entry in ClinVar:

NM_003801.4(GPAA1):c.1146C>T (p.Leu382=)

Gene: GPAA1 (glycosylphosphatidylinositol anchor attachment 1; plus strand). Cytogenetic location: 8q24.3.
Variant type: single nucleotide variant.
Coding change: c.1146C>T on transcript NM_003801.4 (MANE Select); coding-DNA position 1146, C replaced by T.
Protein change: p.Leu382=; no amino-acid change (leucine 382 retained).
Molecular consequence: synonymous variant.
Genome position (GRCh38, 1-based): chr8:144,084,857, C>T. VCF-style: chr8-144084857-C-T. GRCh37 (hg19) VCF-style: chr8-145139760-C-T.
Other names: c.1146C>T (NM_003801.3).
Identifiers: ClinVar variation 3711553 (VCV003711553.3).

ClinVar aggregate classification (germline): Likely benign. Review status: criteria provided, multiple submitters, no conflicts (2 of 4 stars). 2 submissions from 2 submitters: Likely benign (2). Last evaluated 2026-02-03.

Conditions:
GPAA1-related disorder. Also called: GPAA1-related condition.

Submissions (2):

PreventionGenetics, part of Exact Sciences
Classification: Likely benign for GPAA1-related condition. Last evaluated: 2026-02-03. Review status: criteria provided, single submitter. Criteria: ACMG Guidelines, 2015. Collection method: clinical testing. Allele origin: germline.
Comment: This variant is classified as likely benign based on ACMG/AMP sequence variant interpretation guidelines (Richards et al. 2015 PMID: 25741868, with internal and published modifications).

Labcorp Genetics (formerly Invitae), Labcorp
Classification: Likely benign. Last evaluated: 2024-03-27. Review status: criteria provided, single submitter. Criteria: Invitae Variant Classification Sherloc (09022015). Collection method: clinical testing. Allele origin: germline.